The following is an entry in ClinVar:

NM_001009944.3(PKD1):c.8994C>T (p.His2998=)

Gene: PKD1 (polycystin 1, transient receptor potential channel interacting; minus strand). Cytogenetic location: 16p13.3.
Variant type: single nucleotide variant.
Coding change: c.8994C>T on transcript NM_001009944.3 (MANE Select); coding-DNA position 8994, C replaced by T.
Protein change: p.His2998=; no amino-acid change (histidine 2998 retained).
Molecular consequence: synonymous variant.
Genome position (GRCh38, 1-based): chr16:2,102,588, G>A on the plus strand (C>T on the coding strand, the complement: PKD1 is on the minus strand). VCF-style: chr16-2102588-G-A. GRCh37 (hg19) VCF-style: chr16-2152589-G-A.
Other names: c.8994C>T, p.His2998= (NM_000296.4); c.8994C>T (NM_001009944.2).
Identifiers: ClinVar variation 997353 (VCV000997353.20), dbSNP rs776013663, ClinGen allele CA7830226.

ClinVar aggregate classification (germline): Likely benign. Review status: criteria provided, multiple submitters, no conflicts (2 of 4 stars). 4 submissions from 4 submitters: Likely benign (2). 2 of the submissions do not count toward it. Last evaluated 2026-04-01.

Conditions:
PKD1-related disorder. Also called: PKD1-related condition.
Polycystic kidney disease. Also called: Kidney, Polycystic; Polycystic kidney dysplasia. Identifiers: MedGen C0022680, MeSH D007690, MONDO:0020642, HP:0000113.

Allele frequency attached by ClinVar (database versions not stated): gnomAD 0.00006 and 0.00007; TOPMed 0.00007; gnomAD exomes 0.00014; ExAC 0.00015.
gnomAD v4.1: 110 of 1,611,002 alleles (0.0068%); highest among the groups gnomAD compares: Middle Eastern, 0.12%; no homozygotes.

Submissions (4):

CeGaT Center for Human Genetics Tuebingen
Classification: Likely benign. Last evaluated: 2026-04-01. Review status: criteria provided, single submitter. Criteria: CeGaT Center For Human Genetics Tuebingen Variant Classification Criteria Version 2. Collection method: clinical testing. Allele origin: germline. Affected: yes. Observed: 2 variant alleles.
Comment: PKD1: BP4, BP7

Blueprint Genetics
Classification: Likely benign. Last evaluated: 2024-07-23. Review status: criteria provided, single submitter. Criteria: ACMG Guidelines, 2015. Collection method: clinical testing. Allele origin: germline.

PreventionGenetics, part of Exact Sciences
Classification: Likely benign for PKD1-related condition. Last evaluated: 2019-08-29. Review status: no assertion criteria provided. Collection method: clinical testing. Allele origin: germline. Not counted in ClinVar's aggregate classification.
Comment: This variant is classified as likely benign based on ACMG/AMP sequence variant interpretation guidelines (Richards et al. 2015 PMID: 25741868, with internal and published modifications).

Department of Pathology and Laboratory Medicine, Sinai Health System
Classification: Likely benign for Polycystic Kidney disease. Review status: no assertion criteria provided. Collection method: clinical testing. Allele origin: unknown. Affected: yes. Observed: 1 variant allele. Study: The Canadian Open Genetics Repository (COGR). Not counted in ClinVar's aggregate classification.
Comment: The PKD1 p.His2998= variant was not identified in the literature nor was it identified in the ClinVar, LOVD 3.0, ADPKD Mutation Database, or PKD1-LOVD databases. The variant was identified in dbSNP (ID: rs776013663). The variant was identified in control databases in 36 of 274788 chromosomes at a frequency of 0.0001 (Genome Aggregation Database Feb 27, 2017). The variant was observed in the following populations: Other in 6 of 6410 chromosomes (freq: 0.0009), Latino in 9 of 34386 chromosomes (freq: 0.0003), European in 17 of 124974 chromosomes (freq: 0.0001), Ashkenazi Jewish in 3 of 10078 chromosomes (freq: 0.0003), and South Asian in 1 of 30774 chromosomes (freq: 0.00003), while the variant was not observed in the African, East Asian, or Finnish populations. In addition, we cannot be certain that data from control databases is specific to PKD1 and not from one of the six PKD1 pseudogenes. The p.His2998= variant is not expected to have clinical significance because it does not result in a change of amino acid and is not located in a known consensus splice site. In addition, in silico or computational prediction software programs (SpliceSiteFinder, MaxEntScan, NNSPLICE, GeneSplicer) do not predict a difference in splicing. In summary, based on the above information, the clinical significance of this variant cannot be determined with certainty at this time although we would lean towards a more benign role for this variant. This variant is classified as likely benign.